The following is an entry in ClinVar:

NC_000009.12:g.35658018_35658024dup

Gene: RMRP (RNA component of mitochondrial RNA processing endoribonuclease; minus strand). Cytogenetic location: 9p13.3.
Variant type: Duplication.
Genome position: GRCh38 VCF-style: chr9-35658016-A-ACCACGTC. GRCh37 (hg19) VCF-style: chr9-35658013-A-ACCACGTC.
Identifiers: ClinVar variation 1071614 (VCV001071614.12), dbSNP rs1554651360, ClinGen allele CA5045872.

ClinVar aggregate classification (germline): Pathogenic (1 of 4 stars; one submission).

Conditions:
Anauxetic dysplasia. Identifiers: Orphanet 93347, MedGen C1846796, MONDO:0011773.

Submission:

Labcorp Genetics (formerly Invitae), Labcorp
Classification: Pathogenic for Anauxetic dysplasia. Last evaluated: 2022-07-27. Review status: criteria provided, single submitter. Criteria: Invitae Variant Classification Sherloc (09022015). Collection method: clinical testing. Allele origin: germline.
Comment: For these reasons, this variant has been classified as Pathogenic. Algorithms developed to predict the effect of sequence changes on RNA splicing suggest that this variant may disrupt the consensus splice site. While functional studies for this variant have not been reported, experimental analyses using patient derived cells, as well as in vitro transfection studies, have shown that promoter insertions result in silencing of RMRP transcription and reduced expression of the gene product (PMID: 11207361, 16254002). While this particular variant has not been reported in the literature, it is located in the promoter region between the TATA box and the transcription initiation site, and other insertions and duplications immediately upstream of the coding sequence have been reported in individuals affected with cartilage-hair hypoplasia-anauxetic dysplasia (CHH-AD) spectrum disorders (PMID: 16244706, 11207361, 12107819). This variant is present in population databases (rs765258340, gnomAD 0.004%). This variant occurs in the RMRP gene, which encodes an RNA molecule that does not result in a protein product.

Literature cited by the submitters: PubMed 11207361; PubMed 16254002; PubMed 16244706; PubMed 12107819.